The following is an entry in ClinVar:

NC_000001.11:g.(?_237441309)_(237456745_?)del

Gene: RYR2 (ryanodine receptor 2; plus strand). Cytogenetic location: 1q43.
Variant type: Deletion.
Identifiers: ClinVar variation 831732 (VCV000831732.45).

ClinVar aggregate classification (germline): Uncertain significance (1 of 4 stars; one submission).

Conditions:
Catecholaminergic polymorphic ventricular tachycardia 1. Also called: VENTRICULAR TACHYCARDIA, CATECHOLAMINERGIC POLYMORPHIC, 1, WITH OR WITHOUT ATRIAL DYSFUNCTION AND/OR DILATED CARDIOMYOPATHY; RYR2-Related Catecholaminergic Polymorphic Ventricular Tachycardia; VENTRICULAR TACHYCARDIA, STRESS-INDUCED POLYMORPHIC 1. Identifiers: Orphanet 3286, MedGen C1631597, MONDO:0011484, OMIM 604772.

Submission:

Labcorp Genetics (formerly Invitae), Labcorp
Classification: Uncertain significance for Catecholaminergic polymorphic ventricular tachycardia 1. Last evaluated: 2019-07-26. Review status: criteria provided, single submitter. Criteria: Invitae Variant Classification Sherloc (09022015). Collection method: clinical testing. Allele origin: germline.
Comment: In summary, the available evidence is currently insufficient to determine the role of this variant in disease. Therefore, it has been classified as a Variant of Uncertain Significance. The current clinical and genetic evidence is not sufficient to establish whether loss-of-function variants in RYR2 cause disease. This variant has not been reported in the literature in individuals with RYR2-related conditions. This variant is an out-of-frame deletion of the genomic region encompassing exons 13-16 of the RYR2 gene. This is expected to create a premature translational stop signal and result in an absent or disrupted protein product.